The following is an entry in ClinVar:

NM_004006.3(DMD):c.10203A>G (p.Leu3401=)

Gene: DMD (dystrophin; minus strand). Cytogenetic location: Xp21.2.
Variant type: single nucleotide variant.
Coding change: c.10203A>G on transcript NM_004006.3 (MANE Select); coding-DNA position 10203, A replaced by G.
Protein change: p.Leu3401=; no amino-acid change (leucine 3401 retained).
Molecular consequence: synonymous variant.
Genome position (GRCh38, 1-based): chrX:31,178,689, T>C on the plus strand (A>G on the coding strand, the complement: DMD is on the minus strand). VCF-style: chrX-31178689-T-C. GRCh37 (hg19) VCF-style: chrX-31196806-T-C.
Other names: c.10179A>G, p.Leu3393= (NM_000109.4); c.10191A>G, p.Leu3397= (NM_004009.3); c.9834A>G, p.Leu3278= (NM_004010.3); c.6180A>G, p.Leu2060= (NM_004011.4); c.6171A>G, p.Leu2057= (NM_004012.4); c.2823A>G, p.Leu941= (NM_004013.3, NM_004020.4, NM_004021.3 and 2 more transcripts); c.2016A>G, p.Leu672= (NM_004014.3); c.999A>G, p.Leu333= (NM_004015.3, NM_004016.3, NM_004017.3 and 2 more transcripts).
Identifiers: ClinVar variation 1141993 (VCV001141993.17), dbSNP rs371928525, ClinGen allele CA10377680.
Genomic context (GRCh38, chrX:31,178,689, plus strand): 5'-ACATCAAACAAGAGTGTGTTCTGCTTTTGCTACTACTCACGTTTCCATGTTGTCCCCCTC[T>C]AAGACAGTCTGCACTGGCAGGTAGCCCATTCGGGGATGCTTCGCAAAATACCTTTTGGTT-3'
Protein context (NP_003997.2, residues 3391-3411): RMGYLPVQTV[Leu3401=]EGDNMETPVT

ClinVar aggregate classification (germline): Likely benign. Review status: criteria provided, multiple submitters, no conflicts (2 of 4 stars). 4 submissions from 4 submitters: Likely benign (3). 1 of the submissions does not count toward it. Last evaluated 2026-03-01.

Conditions:
Cardiovascular phenotype. Identifiers: MedGen CN230736.
Duchenne muscular dystrophy (DMD). Also called: MUSCULAR DYSTROPHY, PSEUDOHYPERTROPHIC PROGRESSIVE, DUCHENNE TYPE; Duchenne Muscular Dystrophy (DMD). Identifiers: Orphanet 98896, MedGen C0013264, MONDO:0010679, OMIM 310200.
DMD-related disorder. Also called: DMD-related condition.

Allele frequency attached by ClinVar (database versions not stated): ExAC 0.00002; gnomAD 0.00003; TOPMed 0.00003; gnomAD exomes below 0.00001 and 0.00001.
gnomAD v4.1: 16 of 1,209,431 alleles (0.0013%); highest among the groups gnomAD compares: African/African-American, 0.012%; no homozygotes.

Submissions (4):

CeGaT Center for Human Genetics Tuebingen
Classification: Likely benign. Last evaluated: 2026-03-01. Review status: criteria provided, single submitter. Criteria: CeGaT Center For Human Genetics Tuebingen Variant Classification Criteria Version 2. Collection method: clinical testing. Allele origin: germline. Affected: yes. Observed: 1 variant allele.
Comment: DMD: BP4, BS2

Labcorp Genetics (formerly Invitae), Labcorp
Classification: Likely benign for Duchenne muscular dystrophy. Last evaluated: 2025-10-02. Review status: criteria provided, single submitter. Criteria: Invitae Variant Classification Sherloc (09022015). Collection method: clinical testing. Allele origin: germline.

Ambry Genetics
Classification: Likely benign for Cardiovascular phenotype. Last evaluated: 2019-05-24. Review status: criteria provided, single submitter. Criteria: Ambry Variant Classification Scheme 2023. Collection method: clinical testing. Allele origin: germline.

PreventionGenetics, part of Exact Sciences
Classification: Likely benign for DMD-related condition. Last evaluated: 2019-07-04. Review status: no assertion criteria provided. Collection method: clinical testing. Allele origin: germline. Not counted in ClinVar's aggregate classification.
Comment: This variant is classified as likely benign based on ACMG/AMP sequence variant interpretation guidelines (Richards et al. 2015 PMID: 25741868, with internal and published modifications).